The following is an entry in ClinVar:

ClinVar aggregate classification (germline): Likely benign (0 of 4 stars; one submission).

Conditions:
WDFY3-related disorder.

Allele frequency attached by ClinVar (database versions not stated): gnomAD exomes below 0.00001.
gnomAD v4.1: 2 of 1,613,428 alleles (0.00012%); highest among the groups gnomAD compares: Admixed American, 0.0017%; no homozygotes.

Submission:

PreventionGenetics, part of Exact Sciences
Classification: Likely benign for WDFY3-related condition. Last evaluated: 2019-07-12. Review status: no assertion criteria provided. Collection method: clinical testing. Allele origin: germline.
Comment: This variant is classified as likely benign based on ACMG/AMP sequence variant interpretation guidelines (Richards et al. 2015 PMID: 25741868, with internal and published modifications).

NM_014991.6(WDFY3):c.4299C>T (p.Ala1433=)

Gene: WDFY3 (WD repeat and FYVE domain containing 3; minus strand). Cytogenetic location: 4q21.23.
Variant type: single nucleotide variant.
Coding change: c.4299C>T on transcript NM_014991.6 (MANE Select); coding-DNA position 4299, C replaced by T.
Protein change: p.Ala1433=; no amino-acid change (alanine 1433 retained).
Molecular consequence: synonymous variant.
Genome position (GRCh38, 1-based): chr4:84,780,174, G>A on the plus strand (C>T on the coding strand, the complement: WDFY3 is on the minus strand). VCF-style: chr4-84780174-G-A. GRCh37 (hg19) VCF-style: chr4-85701327-G-A.
Identifiers: ClinVar variation 3050156 (VCV003050156.2), dbSNP rs2533307730, ClinGen allele CA440124743.